The following is an entry in ClinVar:

ClinVar aggregate classification (germline): Uncertain significance (1 of 4 stars; one submission).

Conditions:
PPRC1-related disorder. Also called: PPRC1-related condition.

Submission:

PreventionGenetics, part of Exact Sciences
Classification: Uncertain significance for PPRC1-related condition. Last evaluated: 2023-09-02. Review status: criteria provided, single submitter. Criteria: ACMG Guidelines, 2015. Collection method: clinical testing. Allele origin: germline.
Comment: The PPRC1 c.3728C>T variant is predicted to result in the amino acid substitution p.Ala1243Val. To our knowledge, this variant has not been reported in the literature. This variant is reported in 0.00088% of alleles in individuals of European (Non-Finnish) descent in gnomAD. At this time, the clinical significance of this variant is uncertain due to the absence of conclusive functional and genetic evidence.

NM_015062.5(PPRC1):c.3728C>T (p.Ala1243Val)

Gene: PPRC1 (PPARG related coactivator 1; plus strand). Cytogenetic location: 10q24.32.
Variant type: single nucleotide variant.
Coding change: c.3728C>T on transcript NM_015062.5 (MANE Select); coding-DNA position 3728, C replaced by T.
Protein change: p.Ala1243Val; replaces alanine 1243 with valine.
Molecular consequence: missense variant. On other transcripts: intron variant (1).
Genome position (GRCh38, 1-based): chr10:102,146,720, C>T. VCF-style: chr10-102146720-C-T. GRCh37 (hg19) VCF-style: chr10-103906477-C-T.
Other names: c.3368C>T, p.Ala1123Val (NM_001288728.2); c.3609-1652C>T (NM_001288727.2); short protein forms A1123V, A1243V.
Identifiers: ClinVar variation 2631706 (VCV002631706.1), dbSNP rs1447529834, ClinGen allele CA377887602.